The following is an entry in ClinVar:

ClinVar aggregate classification (germline): Likely benign (1 of 4 stars; one submission).

Conditions:
OTOG-related disorder. Also called: OTOG-related condition.

gnomAD v4.1: 18 of 1,550,132 alleles (0.0012%); highest among the groups gnomAD compares: Admixed American, 0.002%; no homozygotes.

Submission:

PreventionGenetics, part of Exact Sciences
Classification: Likely benign for OTOG-related condition. Last evaluated: 2025-01-31. Review status: criteria provided, single submitter. Criteria: ACMG Guidelines, 2015. Collection method: clinical testing. Allele origin: germline.
Comment: This variant is classified as likely benign based on ACMG/AMP sequence variant interpretation guidelines (Richards et al. 2015 PMID: 25741868, with internal and published modifications).

NM_001292063.2(OTOG):c.7374G>A (p.Pro2458=)

Gene: OTOG (otogelin; plus strand). Cytogenetic location: 11p15.1.
Variant type: single nucleotide variant.
Coding change: c.7374G>A on transcript NM_001292063.2 (MANE Select); coding-DNA position 7374, G replaced by A.
Protein change: p.Pro2458=; no amino-acid change (proline 2458 retained).
Molecular consequence: synonymous variant.
Genome position (GRCh38, 1-based): chr11:17,634,175, G>A. VCF-style: chr11-17634175-G-A. GRCh37 (hg19) VCF-style: chr11-17655722-G-A.
Other names: c.7410G>A, p.Pro2470= (NM_001277269.2).
Identifiers: ClinVar variation 4986083 (VCV004986083.1).